The following is an entry in ClinVar:

NM_000355.4(TCN2):c.916T>C (p.Phe306Leu)

Gene: TCN2 (transcobalamin 2; plus strand). Cytogenetic location: 22q12.2.
Variant type: single nucleotide variant.
Coding change: c.916T>C on transcript NM_000355.4 (MANE Select); coding-DNA position 916, T replaced by C.
Protein change: p.Phe306Leu; replaces phenylalanine 306 with leucine.
Molecular consequence: missense variant.
Genome position (GRCh38, 1-based): chr22:30,615,763, T>C. VCF-style: chr22-30615763-T-C. GRCh37 (hg19) VCF-style: chr22-31011750-T-C.
Other names: c.835T>C, p.Phe279Leu (NM_001184726.2); short protein forms F279L, F306L.
Identifiers: ClinVar variation 2055675 (VCV002055675.1), dbSNP rs765360226, ClinGen allele CA10184882.

ClinVar aggregate classification (germline): Uncertain significance (1 of 4 stars; one submission).

Conditions:
Transcobalamin II deficiency (TCN2D). Also called: TC II DEFICIENCY; TCN2 DEFICIENCY; Transcolabamin II deficiency. Identifiers: Orphanet 859, MedGen C0342701, MONDO:0010149, OMIM 275350.

Allele frequency attached by ClinVar (database versions not stated): ExAC 0.00001; gnomAD 0.00001; gnomAD exomes 0.00001; TOPMed 0.00003.
gnomAD v4.1: 24 of 1,613,780 alleles (0.0015%); highest among the groups gnomAD compares: Middle Eastern, 0.049%; no homozygotes.

Submission:

Labcorp Genetics (formerly Invitae), Labcorp
Classification: Uncertain significance for Transcobalamin II deficiency. Last evaluated: 2022-08-09. Review status: criteria provided, single submitter. Criteria: Invitae Variant Classification Sherloc (09022015). Collection method: clinical testing. Allele origin: germline.
Comment: This sequence change replaces phenylalanine, which is neutral and non-polar, with leucine, which is neutral and non-polar, at codon 306 of the TCN2 protein (p.Phe306Leu). This variant is present in population databases (rs765360226, gnomAD 0.0009%). This variant has not been reported in the literature in individuals affected with TCN2-related conditions. Algorithms developed to predict the effect of missense changes on protein structure and function (SIFT, PolyPhen-2, Align-GVGD) all suggest that this variant is likely to be tolerated. In summary, the available evidence is currently insufficient to determine the role of this variant in disease. Therefore, it has been classified as a Variant of Uncertain Significance.